The following is an entry in ClinVar:

ClinVar aggregate classification (germline): Benign. Review status: criteria provided, multiple submitters, no conflicts (2 of 4 stars). 3 submissions from 3 submitters: Benign (3). Last evaluated 2026-08-01.

Allele frequency attached by ClinVar (database versions not stated): 1000 Genomes Project 0.00359; 1000 Genomes Project 30x 0.00359; TOPMed 0.00791; gnomAD 0.00832 and 0.00837; gnomAD exomes 0.00958; ExAC 0.00991; ESP Exome Variant Server 0.00992.

Submissions (3):

CeGaT Center for Human Genetics Tuebingen
Classification: Benign. Last evaluated: 2026-08-01. Review status: criteria provided, single submitter. Criteria: CeGaT Center For Human Genetics Tuebingen Variant Classification Criteria Version 2. Collection method: clinical testing. Allele origin: germline. Affected: yes. Observed: 2 variant alleles.
Comment: MGA: BP4, BS1, BS2

Labcorp Genetics (formerly Invitae), Labcorp
Classification: Benign. Last evaluated: 2019-12-31. Review status: criteria provided, single submitter. Criteria: Invitae Variant Classification Sherloc (09022015). Collection method: clinical testing. Allele origin: germline.

Breakthrough Genomics
Classification: Benign. Review status: criteria provided, single submitter. Criteria: ACMG Guidelines, 2015. Collection method: not provided. Allele origin: germline. Inheritance: Unknown mechanism. Affected: yes.

NM_001400225.1(MGA):c.6092A>G (p.Asn2031Ser)

Gene: MGA (MAX dimerization protein MGA; plus strand). Cytogenetic location: 15q15.1.
Variant type: single nucleotide variant.
Coding change: c.6092A>G on transcript NM_001400225.1 (MANE Select); coding-DNA position 6092, A replaced by G.
Protein change: p.Asn2031Ser; replaces asparagine 2031 with serine.
Molecular consequence: missense variant. On other transcripts: intron variant (1).
Genome position (GRCh38, 1-based): chr15:41,749,552, A>G. VCF-style: chr15-41749552-A-G. GRCh37 (hg19) VCF-style: chr15-42041750-A-G.
Other names: c.5318A>G, p.Asn1773Ser (NM_001080541.3); c.5945A>G, p.Asn1982Ser (NM_001164273.2); c.4105-4885A>G (NM_001400242.1); short protein forms N1773S, N1982S, N2031S.
Identifiers: ClinVar variation 770622 (VCV000770622.15), dbSNP rs61757235, ClinGen allele CA7496721.